The following is an entry in ClinVar:

ClinVar aggregate classification (germline): Uncertain significance. Review status: criteria provided, multiple submitters, no conflicts (2 of 4 stars). 3 submissions from 3 submitters: Uncertain significance (2). 1 of the submissions does not count toward it. Last evaluated 2024-10-30.

Conditions:
Glycine encephalopathy. Also called: Non-ketotic hyperglycinemia; Nonketotic hyperglycinemia. Identifiers: Orphanet 407, MedGen C0751748, MONDO:0011612, HP:0008288.

Allele frequency attached by ClinVar (database versions not stated): TOPMed 0.00020; gnomAD 0.00021 and 0.00022; ESP Exome Variant Server 0.00023; gnomAD exomes 0.00043; ExAC 0.00062.
gnomAD v4.1: 431 of 1,613,606 alleles (0.027%); highest among the groups gnomAD compares: Non-Finnish European, 0.029%; no homozygotes.

Submissions (3):

Labcorp Genetics (formerly Invitae), Labcorp
Classification: Uncertain significance for Glycine encephalopathy. Last evaluated: 2024-10-30. Review status: criteria provided, single submitter. Criteria: Invitae Variant Classification Sherloc (09022015). Collection method: clinical testing. Allele origin: germline.
Comment: This sequence change falls in intron 6 of the AMT gene. It does not directly change the encoded amino acid sequence of the AMT protein. It affects a nucleotide within the consensus splice site. This variant is present in population databases (rs373703503, gnomAD 0.07%). This variant has not been reported in the literature in individuals affected with AMT-related conditions. ClinVar contains an entry for this variant (Variation ID: 531773). Variants that disrupt the consensus splice site are a relatively common cause of aberrant splicing (PMID: 17576681, 9536098). Algorithms developed to predict the effect of sequence changes on RNA splicing suggest that this variant is not likely to affect RNA splicing. In summary, the available evidence is currently insufficient to determine the role of this variant in disease. Therefore, it has been classified as a Variant of Uncertain Significance.

Illumina Laboratory Services, Illumina
Classification: Uncertain significance for Glycine encephalopathy 1. Last evaluated: 2018-01-12. Review status: criteria provided, single submitter. Criteria: ICSL Variant Classification Criteria 13 December 2019. Collection method: clinical testing. Allele origin: germline.

Natera, Inc.
Classification: Uncertain significance for Non-ketotic hyperglycinemia. Last evaluated: 2019-10-28. Review status: no assertion criteria provided. Collection method: clinical testing. Allele origin: germline. Not counted in ClinVar's aggregate classification.

Literature cited by the submitters: PubMed 17576681 (cited by Labcorp Genetics (formerly Invitae), Labcorp); PubMed 9536098 (cited by Labcorp Genetics (formerly Invitae), Labcorp).

NM_000481.4(AMT):c.697-3C>T

Gene: AMT (aminomethyltransferase; minus strand). Cytogenetic location: 3p21.31.
Variant type: single nucleotide variant.
Coding change: c.697-3C>T on transcript NM_000481.4 (MANE Select); 3 bases into the intron before coding-DNA position 697, C replaced by T.
Molecular consequence: intron variant.
Genome position (GRCh38, 1-based): chr3:49,419,154, G>A on the plus strand (C>T on the coding strand, the complement: AMT is on the minus strand). VCF-style: chr3-49419154-G-A. GRCh37 (hg19) VCF-style: chr3-49456587-G-A.
Other names: c.529-3C>T (NM_001164711.2); c.565-3C>T (NM_001164710.2); c.697-3C>T (NM_001164712.2).
Identifiers: ClinVar variation 531773 (VCV000531773.11), dbSNP rs373703503, ClinGen allele CA2398254.